The following is an entry in ClinVar:

NM_001039660.2(IL18BP):c.76C>T (p.Leu26Phe)

Gene: IL18BP (interleukin 18 binding protein; plus strand). Cytogenetic location: 11q13.4.
Variant type: single nucleotide variant.
Coding change: c.76C>T on transcript NM_001039660.2 (MANE Select); coding-DNA position 76, C replaced by T.
Protein change: p.Leu26Phe; replaces leucine 26 with phenylalanine.
Molecular consequence: missense variant.
Genome position (GRCh38, 1-based): chr11:72,000,398, C>T. VCF-style: chr11-72000398-C-T. GRCh37 (hg19) VCF-style: chr11-71711444-C-T.
Other names: c.76C>T, p.Leu26Phe (NM_001039659.2, NM_001145055.1, NM_001145057.1 and 3 more transcripts); short protein forms L26F.
Identifiers: ClinVar variation 2809366 (VCV002809366.3), dbSNP rs753580227, ClinGen allele CA6166106.
Genomic context (GRCh38, chr11:72,000,398, plus strand): 5'-GTCCTTTCCTCAGACCTCAGCCCTTTGTGGGTCCTGCTCCTGTGTGCCCACGTCGTCACT[C>T]TCCTGGTCAGAGCCACACCTGTCTCGCAGACCACCACAGCTGCCACTGCCTCAGTTAGAA-3'
Protein context (NP_001034749.1, residues 16-36): VLLLCAHVVT[Leu26Phe]LVRATPVSQT

ClinVar aggregate classification (germline): Uncertain significance (1 of 4 stars; one submission).

Allele frequency attached by ClinVar (database versions not stated): gnomAD exomes below 0.00001; ExAC 0.00001; gnomAD 0.00002; TOPMed 0.00002.
gnomAD v4.1: 5 of 1,614,006 alleles (0.00031%); highest among the groups gnomAD compares: Non-Finnish European, 0.00042%; no homozygotes.

Submission:

Labcorp Genetics (formerly Invitae), Labcorp
Classification: Uncertain significance. Last evaluated: 2023-12-03. Review status: criteria provided, single submitter. Criteria: Invitae Variant Classification Sherloc (09022015). Collection method: clinical testing. Allele origin: germline.
Comment: This sequence change replaces leucine, which is neutral and non-polar, with phenylalanine, which is neutral and non-polar, at codon 26 of the IL18BP protein (p.Leu26Phe). This variant is present in population databases (rs753580227, gnomAD 0.007%). This variant has not been reported in the literature in individuals affected with IL18BP-related conditions. An algorithm developed to predict the effect of missense changes on protein structure and function (PolyPhen-2) suggests that this variant is likely to be disruptive. In summary, the available evidence is currently insufficient to determine the role of this variant in disease. Therefore, it has been classified as a Variant of Uncertain Significance.